The following is an entry in ClinVar:

ClinVar aggregate classification (germline): Uncertain significance (1 of 4 stars; one submission).

Allele frequency attached by ClinVar (database versions not stated): gnomAD exomes below 0.00001; TOPMed below 0.00001; ExAC 0.00001.
gnomAD v4.1: 2 of 1,590,646 alleles (0.00013%); highest among the groups gnomAD compares: Non-Finnish European, 0.000086%; no homozygotes.

Submission:

ARUP Laboratories, Molecular Genetics and Genomics, ARUP Laboratories
Classification: Uncertain significance. Last evaluated: 2017-10-03. Review status: criteria provided, single submitter. Criteria: ARUP Molecular Germline Variant Investigation Process. Collection method: clinical testing. Allele origin: germline.
Comment: The p.Val435Leu variant (rs750183887) has not been reported in the medical literature, is absent from gene-specific variant databases, and is found on a single chromosome in the Genome Aggregation Database (gnomAD) browser (identified in 1 out of 229,596 chromosomes). The valine at codon 435 is weakly conserved considering 12 species (Alamut software v2.10.0), and computational analyses suggest that this variant does not affect the structure/function of the EGR2 protein (SIFT: tolerated, PolyPhen2: benign, MutationTaster: polymorphism). However, based on the available information, the clinical significance of the p.Val435Leu variant cannot be determined with certainty.

NM_000399.5(EGR2):c.1303G>C (p.Val435Leu)

Gene: EGR2 (early growth response 2; minus strand). Cytogenetic location: 10q21.3.
Variant type: single nucleotide variant.
Coding change: c.1303G>C on transcript NM_000399.5 (MANE Select); coding-DNA position 1303, G replaced by C.
Protein change: p.Val435Leu; replaces valine 435 with leucine.
Molecular consequence: missense variant.
Genome position (GRCh38, 1-based): chr10:62,813,335, C>G on the plus strand (G>C on the coding strand, the complement: EGR2 is on the minus strand). VCF-style: chr10-62813335-C-G. GRCh37 (hg19) VCF-style: chr10-64573095-C-G.
Other names: c.1303G>C, p.Val435Leu (NM_001136177.3, NM_001136178.2); c.1153G>C, p.Val385Leu (NM_001136179.3, NM_001321037.2); short protein forms V435L, V385L.
Identifiers: ClinVar variation 618079 (VCV000618079.9), dbSNP rs750183887, ClinGen allele CA5517158.